The following is an entry in ClinVar:

NM_001003694.2(BRPF1):c.3305A>G (p.Tyr1102Cys)

Gene: BRPF1 (bromodomain and PHD finger containing 1; plus strand). Cytogenetic location: 3p25.3.
Variant type: single nucleotide variant.
Coding change: c.3305A>G on transcript NM_001003694.2 (MANE Select); coding-DNA position 3305, A replaced by G.
Protein change: p.Tyr1102Cys; replaces tyrosine 1102 with cysteine.
Molecular consequence: missense variant. On other transcripts: non-coding transcript variant (1).
Genome position (GRCh38, 1-based): chr3:9,745,911, A>G. VCF-style: chr3-9745911-A-G. GRCh37 (hg19) VCF-style: chr3-9787595-A-G.
Other names: c.3002A>G, p.Tyr1001Cys (NM_001319049.2); c.3284A>G, p.Tyr1095Cys (NM_001319050.2); c.3302A>G, p.Tyr1101Cys (NM_001410704.1); c.3287A>G, p.Tyr1096Cys (NM_004634.3); short protein forms Y1001C, Y1095C, Y1096C, Y1101C, Y1102C.
Identifiers: ClinVar variation 2499831 (VCV002499831.2), dbSNP rs2471517107, ClinGen allele CA351705213.

ClinVar aggregate classification (germline): Uncertain significance (1 of 4 stars; one submission).

Submission:

GeneDx
Classification: Uncertain significance. Last evaluated: 2026-03-05. Review status: criteria provided, single submitter. Criteria: GeneDx Variant Classification Process June 2021. Collection method: clinical testing. Allele origin: germline.
Comment: Not observed at significant frequency in large population cohorts (gnomAD); In silico analysis supports that this missense variant has a deleterious effect on protein structure/function; Has not been previously published as pathogenic or benign to our knowledge